The following is an entry in ClinVar:

ClinVar aggregate classification (germline): Uncertain significance (1 of 4 stars; one submission).

Allele frequency attached by ClinVar (database versions not stated): gnomAD exomes below 0.00001; TOPMed below 0.00001.
gnomAD v4.1: 1 of 1,614,036 alleles (0.000062%); highest among the groups gnomAD compares: Admixed American, 0.0017%; no homozygotes.

Submission:

GeneDx
Classification: Uncertain significance. Last evaluated: 2020-01-02. Review status: criteria provided, single submitter. Criteria: GeneDx Variant Classification Process June 2021. Collection method: clinical testing. Allele origin: germline. Affected: yes.
Comment: Not observed at a significant frequency in large population cohorts (Lek et al., 2016); In silico analysis, which includes protein predictors and evolutionary conservation, supports that this variant does not alter protein structure/function; Has not been previously published as pathogenic or benign to our knowledge

NM_004447.6(EPS8):c.1957A>T (p.Asn653Tyr)

Gene: EPS8 (EGFR pathway substrate 8, signaling adaptor; minus strand). Cytogenetic location: 12p12.3.
Variant type: single nucleotide variant.
Coding change: c.1957A>T on transcript NM_004447.6 (MANE Select); coding-DNA position 1957, A replaced by T.
Protein change: p.Asn653Tyr; replaces asparagine 653 with tyrosine.
Molecular consequence: missense variant.
Genome position (GRCh38, 1-based): chr12:15,631,529, T>A on the plus strand (A>T on the coding strand, the complement: EPS8 is on the minus strand). VCF-style: chr12-15631529-T-A. GRCh37 (hg19) VCF-style: chr12-15784463-T-A.
Other names: short protein forms N653Y.
Identifiers: ClinVar variation 1311676 (VCV001311676.2), dbSNP rs1342111265, ClinGen allele CA384024861.